The following is an entry in ClinVar:

NM_001349206.2(LPIN1):c.305A>G (p.His102Arg)

Gene: LPIN1 (lipin 1; plus strand). Cytogenetic location: 2p25.1.
Variant type: single nucleotide variant.
Coding change: c.305A>G on transcript NM_001349206.2 (MANE Select); coding-DNA position 305, A replaced by G.
Protein change: p.His102Arg; replaces histidine 102 with arginine.
Molecular consequence: missense variant. On other transcripts: non-coding transcript variant (1).
Genome position (GRCh38, 1-based): chr2:11,771,388, A>G. VCF-style: chr2-11771388-A-G. GRCh37 (hg19) VCF-style: chr2-11911514-A-G.
Other names: c.323A>G, p.His108Arg (NM_001261427.3); c.452A>G, p.His151Arg (NM_001261428.3, NM_001349208.2); c.305A>G, p.His102Arg (NM_001349199.2, NM_001349200.2, NM_001349201.2 and 5 more transcripts); c.395A>G, p.His132Arg (NM_001349207.2); short protein forms H108R, H102R, H132R, H151R.
Identifiers: ClinVar variation 1465741 (VCV001465741.6), dbSNP rs894489248, ClinGen allele CA42595831.

ClinVar aggregate classification (germline): Uncertain significance (1 of 4 stars; one submission).

Submission:

Labcorp Genetics (formerly Invitae), Labcorp
Classification: Uncertain significance. Last evaluated: 2021-10-13. Review status: criteria provided, single submitter. Criteria: Invitae Variant Classification Sherloc (09022015). Collection method: clinical testing. Allele origin: germline.
Comment: This sequence change replaces histidine with arginine at codon 102 of the LPIN1 protein (p.His102Arg). The histidine residue is weakly conserved and there is a small physicochemical difference between histidine and arginine. In summary, the available evidence is currently insufficient to determine the role of this variant in disease. Therefore, it has been classified as a Variant of Uncertain Significance. Algorithms developed to predict the effect of missense changes on protein structure and function (SIFT, PolyPhen-2, Align-GVGD) all suggest that this variant is likely to be tolerated. This variant has not been reported in the literature in individuals affected with LPIN1-related conditions. This variant is not present in population databases (ExAC no frequency).